The following is an entry in ClinVar:

ClinVar aggregate classification (germline): Uncertain significance (1 of 4 stars; one submission).

Conditions:
Tumor predisposition syndrome 3 (TPDS3). Also called: Melanoma, cutaneous malignant, susceptibility to, 10; Glioma susceptibility 9; LONG TELOMERE SYNDROME, POT1-RELATED; POT1 Tumor Predisposition. Identifiers: Orphanet 618, MedGen C4014476, MONDO:0014368, OMIM 615848.

Submission:

Labcorp Genetics (formerly Invitae), Labcorp
Classification: Uncertain significance for Tumor predisposition syndrome 3. Last evaluated: 2024-07-10. Review status: criteria provided, single submitter. Criteria: Invitae Variant Classification Sherloc (09022015). Collection method: clinical testing. Allele origin: germline.
Comment: This sequence change replaces cysteine, which is neutral and slightly polar, with tyrosine, which is neutral and polar, at codon 591 of the POT1 protein (p.Cys591Tyr). This variant is not present in population databases (gnomAD no frequency). This variant has not been reported in the literature in individuals affected with POT1-related conditions. ClinVar contains an entry for this variant (Variation ID: 2045313). Advanced modeling of protein sequence and biophysical properties (such as structural, functional, and spatial information, amino acid conservation, physicochemical variation, residue mobility, and thermodynamic stability) performed at Invitae indicates that this missense variant is not expected to disrupt POT1 protein function with a negative predictive value of 80%. In summary, the available evidence is currently insufficient to determine the role of this variant in disease. Therefore, it has been classified as a Variant of Uncertain Significance.

NM_015450.3(POT1):c.1772G>A (p.Cys591Tyr)

Gene: POT1 (protection of telomeres 1; minus strand). Cytogenetic location: 7q31.33.
Variant type: single nucleotide variant.
Coding change: c.1772G>A on transcript NM_015450.3 (MANE Select); coding-DNA position 1772, G replaced by A.
Protein change: p.Cys591Tyr; replaces cysteine 591 with tyrosine.
Molecular consequence: missense variant. On other transcripts: non-coding transcript variant (3).
Genome position (GRCh38, 1-based): chr7:124,825,272, C>T on the plus strand (G>A on the coding strand, the complement: POT1 is on the minus strand). VCF-style: chr7-124825272-C-T. GRCh37 (hg19) VCF-style: chr7-124465326-C-T.
Other names: c.1379G>A, p.Cys460Tyr (NM_001042594.2); short protein forms C591Y, C460Y.
Identifiers: ClinVar variation 2045313 (VCV002045313.4), dbSNP rs1794601957, ClinGen allele CA369062155.